The following is an entry in ClinVar:

ClinVar aggregate classification (germline): Likely benign (0 of 4 stars; one submission).

Conditions:
DNHD1-related disorder. Also called: DNHD1-related condition.

Allele frequency attached by ClinVar (database versions not stated): TOPMed 0.00003; gnomAD 0.00009; 1000 Genomes Project 0.00020; gnomAD exomes 0.00020; 1000 Genomes Project 30x 0.00031; ExAC 0.00042.
gnomAD v4.1: 319 of 1,614,194 alleles (0.02%); highest among the groups gnomAD compares: South Asian, 0.32%; 6 homozygotes.

Submission:

PreventionGenetics, part of Exact Sciences
Classification: Likely benign for DNHD1-related condition. Last evaluated: 2019-05-28. Review status: no assertion criteria provided. Collection method: clinical testing. Allele origin: germline.
Comment: This variant is classified as likely benign based on ACMG/AMP sequence variant interpretation guidelines (Richards et al. 2015 PMID: 25741868, with internal and published modifications).

NM_144666.3(DNHD1):c.1785+17A>G

Gene: DNHD1 (dynein heavy chain domain 1; plus strand). Cytogenetic location: 11p15.4.
Variant type: single nucleotide variant.
Coding change: c.1785+17A>G on transcript NM_144666.3 (MANE Select); 17 bases into the intron after coding-DNA position 1785, A replaced by G.
Molecular consequence: intron variant. On other transcripts: 3 prime UTR variant (1).
Genome position (GRCh38, 1-based): chr11:6,520,119, A>G. VCF-style: chr11-6520119-A-G. GRCh37 (hg19) VCF-style: chr11-6541349-A-G.
Other names: c.*8A>G (NM_173589.4).
Identifiers: ClinVar variation 3039310 (VCV003039310.2), dbSNP rs560416128, ClinGen allele CA5855694.